The following is an entry in ClinVar:

NM_138773.4(SLC25A46):c.1196A>G (p.His399Arg)

Gene: SLC25A46 (solute carrier family 25 member 46; plus strand). Cytogenetic location: 5q22.1.
Variant type: single nucleotide variant.
Coding change: c.1196A>G on transcript NM_138773.4 (MANE Select); coding-DNA position 1196, A replaced by G.
Protein change: p.His399Arg; replaces histidine 399 with arginine.
Molecular consequence: missense variant. On other transcripts: non-coding transcript variant (1).
Genome position (GRCh38, 1-based): chr5:110,761,721, A>G. VCF-style: chr5-110761721-A-G. GRCh37 (hg19) VCF-style: chr5-110097421-A-G.
Other names: c.953A>G, p.His318Arg (NM_001303249.3); c.923A>G, p.His308Arg (NM_001303250.3); short protein forms H399R, H318R, H308R.
Identifiers: ClinVar variation 1746002 (VCV001746002.2), dbSNP rs2547533877, ClinGen allele CA360697746.

ClinVar aggregate classification (germline): Uncertain significance (1 of 4 stars; one submission).

Conditions:
Inborn genetic diseases. Identifiers: MedGen C0950123, MeSH D030342.

Allele frequency attached by ClinVar (database versions not stated): gnomAD exomes below 0.00001.

Submission:

Ambry Genetics
Classification: Uncertain significance for Inborn genetic diseases. Last evaluated: 2020-03-16. Review status: criteria provided, single submitter. Criteria: Ambry Variant Classification Scheme 2023. Collection method: clinical testing. Allele origin: germline.
Comment: The p.H399R variant (also known as c.1196A>G), located in coding exon 8 of the SLC25A46 gene, results from an A to G substitution at nucleotide position 1196. The histidine at codon 399 is replaced by arginine, an amino acid with highly similar properties. This amino acid position is highly conserved in available vertebrate species. In addition, this alteration is predicted to be deleterious by in silico analysis. Since supporting evidence is limited at this time, the clinical significance of this alteration remains unclear.